The following is an entry in ClinVar:

NM_002439.5(MSH3):c.2660A>G (p.Asp887Gly)

Gene: MSH3 (mutS homolog 3; plus strand). Cytogenetic location: 5q14.1.
Variant type: single nucleotide variant.
Coding change: c.2660A>G on transcript NM_002439.5 (MANE Select); coding-DNA position 2660, A replaced by G.
Protein change: p.Asp887Gly; replaces aspartic acid 887 with glycine.
Molecular consequence: missense variant.
Genome position (GRCh38, 1-based): chr5:80,813,588, A>G. VCF-style: chr5-80813588-A-G. GRCh37 (hg19) VCF-style: chr5-80109407-A-G.
Other names: short protein forms D887G.
Identifiers: ClinVar variation 950897 (VCV000950897.10), dbSNP rs1745046098, ClinGen allele CA360273808.
Genomic context (GRCh38, chr5:80,813,588, plus strand): 5'-GGATATTATCAAAAACTTTTCTGGTACAATAAGTGAAATTCCTTTCTAATTTTCAGGAGG[A>G]CTCAGAGAGAGTAATGATAATTACCGGACCAAACATGGGTGGAAAGAGCTCCTACATAAA-3'
Protein context (NP_002430.3, residues 877-897): YVPNNTDLSE[Asp887Gly]SERVMIITGP

ClinVar aggregate classification (germline): Uncertain significance. Review status: criteria provided, multiple submitters, no conflicts (2 of 4 stars). 2 submissions from 2 submitters: Uncertain significance (2). Last evaluated 2024-11-04.

Conditions:
Hereditary cancer-predisposing syndrome. Also called: Tumor predisposition; Hereditary neoplastic syndrome; Neoplastic Syndromes, Hereditary; Hereditary Cancer Syndrome. Identifiers: Orphanet 140162, MedGen C0027672, MeSH D009386, MONDO:0015356.

Submissions (2):

Labcorp Genetics (formerly Invitae), Labcorp
Classification: Uncertain significance. Last evaluated: 2024-11-04. Review status: criteria provided, single submitter. Criteria: Invitae Variant Classification Sherloc (09022015). Collection method: clinical testing. Allele origin: germline.
Comment: This sequence change replaces aspartic acid, which is acidic and polar, with glycine, which is neutral and non-polar, at codon 887 of the MSH3 protein (p.Asp887Gly). This variant is not present in population databases (gnomAD no frequency). This variant has not been reported in the literature in individuals affected with MSH3-related conditions. ClinVar contains an entry for this variant (Variation ID: 950897). An algorithm developed to predict the effect of missense changes on protein structure and function (PolyPhen-2) suggests that this variant is likely to be disruptive. In summary, the available evidence is currently insufficient to determine the role of this variant in disease. Therefore, it has been classified as a Variant of Uncertain Significance.

Ambry Genetics
Classification: Uncertain significance for Hereditary cancer-predisposing syndrome. Last evaluated: 2023-11-08. Review status: criteria provided, single submitter. Criteria: Ambry Variant Classification Scheme 2023. Collection method: clinical testing. Allele origin: germline.
Comment: The p.D887G variant (also known as c.2660A>G), located in coding exon 20 of the MSH3 gene, results from an A to G substitution at nucleotide position 2660. The aspartic acid at codon 887 is replaced by glycine, an amino acid with similar properties. This amino acid position is well conserved in available vertebrate species. In addition, the in silico prediction for this alteration is inconclusive. Since supporting evidence is limited at this time, the clinical significance of this alteration remains unclear.